The following is an entry in ClinVar:

NM_001371928.1(AHDC1):c.4012C>T (p.Arg1338Ter)

Gene: AHDC1 (AT-hook DNA binding motif containing 1; minus strand). Cytogenetic location: 1p36.11.
Variant type: single nucleotide variant.
Coding change: c.4012C>T on transcript NM_001371928.1 (MANE Select); coding-DNA position 4012, C replaced by T.
Protein change: p.Arg1338Ter; replaces arginine 1338 with a stop codon.
Molecular consequence: nonsense.
Genome position (GRCh38, 1-based): chr1:27,548,104, G>A on the plus strand (C>T on the coding strand, the complement: AHDC1 is on the minus strand). VCF-style: chr1-27548104-G-A. GRCh37 (hg19) VCF-style: chr1-27874615-G-A.
Other names: c.4012C>T, p.Arg1338Ter (NM_001029882.3); short protein forms R1338*.
Identifiers: ClinVar variation 4531437 (VCV004531437.1).

ClinVar aggregate classification (germline): Pathogenic (1 of 4 stars; one submission).

Conditions:
AHDC1-related intellectual disability - obstructive sleep apnea - mild dysmorphism syndrome. Also called: Xia-Gibbs syndrome. Identifiers: Orphanet 412069, MedGen C4014419, MONDO:0014358, OMIM 615829.

Submission:

Victorian Clinical Genetics Services, Murdoch Childrens Research Institute
Classification: Pathogenic for AHDC1-related intellectual disability - obstructive sleep apnea - mild dysmorphism syndrome. Last evaluated: 2025-01-08. Review status: criteria provided, single submitter. Criteria: ACMG Guidelines, 2015. Collection method: clinical testing. Allele origin: germline. Affected: yes.
Comment: This variant is classified as Pathogenic. Evidence in support of pathogenic classification: Variant is predicted to result in a truncated protein (premature termination codon is NOT located at least 54 nucleotides upstream of the final exon-exon junction) with less than 1/3 of the protein sequence affected; Variant is absent from gnomAD (v2, v3 and v4); This variant has limited previous evidence of pathogenicity in an unrelated individual(s). This variant has been reported in an individual with global developmental delay in the literature (PMID: 38837156); Other truncating variant(s) comparable to the one identified in this case have very strong previous evidence for pathogenicity (DECIPHER); Additional information: This variant is heterozygous; This gene is associated with autosomal dominant disease; No published segregation evidence has been identified for this variant; No published functional evidence has been identified for this variant; The mechanism of disease for this gene is not clearly established; however, dominant negative has been suggested (PMID: 24791903).

Literature cited by the submitters: PubMed 24791903; PubMed 38837156.